The following is an entry in ClinVar:

NM_014991.6(WDFY3):c.3382C>T (p.Arg1128Ter)

Gene: WDFY3 (WD repeat and FYVE domain containing 3; minus strand). Cytogenetic location: 4q21.23.
Variant type: single nucleotide variant.
Coding change: c.3382C>T on transcript NM_014991.6 (MANE Select); coding-DNA position 3382, C replaced by T.
Protein change: p.Arg1128Ter; replaces arginine 1128 with a stop codon.
Molecular consequence: nonsense.
Genome position (GRCh38, 1-based): chr4:84,794,624, G>A on the plus strand (C>T on the coding strand, the complement: WDFY3 is on the minus strand). VCF-style: chr4-84794624-G-A. GRCh37 (hg19) VCF-style: chr4-85715777-G-A.
Other names: short protein forms R1128*.
Identifiers: ClinVar variation 2497964 (VCV002497964.5), dbSNP rs1444023334, ClinGen allele CA357559425.
Genomic context (GRCh38, chr4:84,794,624, plus strand): 5'-GGTCTTTTGCTGATAGAACTATTGCAAGGCACACGTAATGTTGCTCAGAAGAATTTGCTC[G>A]GCGCACAACAGTAAGAAGTCTGACAGGGTGGTTATTTGGAGGAGAACTAAAATGTTCAAT-3'

ClinVar aggregate classification (germline): Pathogenic/Likely pathogenic. Review status: criteria provided, multiple submitters, no conflicts (2 of 4 stars). 4 submissions from 4 submitters: Pathogenic (3); Likely pathogenic (1). Last evaluated 2026-04-21.

Conditions:
Microcephaly 18, primary, autosomal dominant (MCPH18). Identifiers: MedGen C4479608, MONDO:0054593, OMIM 617520.
Inborn genetic diseases. Identifiers: MedGen C0950123, MeSH D030342.

Allele frequency attached by ClinVar (database versions not stated): gnomAD exomes below 0.00001; gnomAD 0.00001.
gnomAD v4.1: 3 of 1,613,768 alleles (0.00019%); highest among the groups gnomAD compares: Non-Finnish European, 0.00017%; no homozygotes.

Submissions (4):

Greenwood Genetic Center Diagnostic Laboratories, Greenwood Genetic Center
Classification: Likely pathogenic for Microcephaly 18, primary, autosomal dominant. Last evaluated: 2026-04-21. Review status: criteria provided, single submitter. Criteria: ACMG Guidelines, 2015. Collection method: clinical testing. Allele origin: germline. Affected: yes.
Comment: PVS1, PM6

Labcorp Genetics (formerly Invitae), Labcorp
Classification: Pathogenic. Last evaluated: 2025-05-08. Review status: criteria provided, single submitter. Criteria: Invitae Variant Classification Sherloc (09022015). Collection method: clinical testing. Allele origin: germline.
Comment: This sequence change creates a premature translational stop signal (p.Arg1128*) in the WDFY3 gene. It is expected to result in an absent or disrupted protein product. Loss-of-function variants in WDFY3 are known to be pathogenic (PMID: 31327001). This variant is present in population databases (no rsID available, gnomAD 0.3%). This premature translational stop signal has been observed in individual(s) with WDFY3-related conditions (PMID: 27824329, 28263302). ClinVar contains an entry for this variant (Variation ID: 2497964). For these reasons, this variant has been classified as Pathogenic.

Ambry Genetics
Classification: Pathogenic for Inborn genetic diseases. Last evaluated: 2023-06-02. Review status: criteria provided, single submitter. Criteria: Ambry Variant Classification Scheme 2023. Collection method: clinical testing. Allele origin: germline.
Comment: The c.3382C>T (p.R1128*) alteration, located in exon 21 (coding exon 18) of the WDFY3 gene, consists of a C to T substitution at nucleotide position 3382. This changes the amino acid from a arginine (R) to a stop codon at amino acid position 1128. This alteration is expected to result in loss of function by premature protein truncation or nonsense-mediated mRNA decay. This allele was reported in one heterozygous individual in population-based cohorts in the Genome Aggregation Database (gnomAD). Based on the available evidence, this alteration is classified as pathogenic.

GeneDx
Classification: Pathogenic. Last evaluated: 2023-04-03. Review status: criteria provided, single submitter. Criteria: GeneDx Variant Classification Process June 2021. Collection method: clinical testing. Allele origin: germline. Affected: yes.
Comment: Nonsense variant predicted to result in protein truncation or nonsense mediated decay in a gene for which loss-of-function is a known mechanism of disease; This variant is associated with the following publications: (PMID: 31332282, 28263302, 28191890, 28714951, 31785789, 27824329, 25363768)

Literature cited by the submitters: PubMed 31327001 (cited by Labcorp Genetics (formerly Invitae), Labcorp); PubMed 27824329 (cited by Labcorp Genetics (formerly Invitae), Labcorp); PubMed 28263302 (cited by Labcorp Genetics (formerly Invitae), Labcorp).